The following is an entry in ClinVar:

ClinVar aggregate classification (germline): Uncertain significance (1 of 4 stars; one submission).

Allele frequency attached by ClinVar (database versions not stated): ExAC 0.00008; gnomAD 0.00011.
gnomAD v4.1: 67 of 1,612,176 alleles (0.0042%); highest among the groups gnomAD compares: African/African-American, 0.035%; no homozygotes.

Submission:

Labcorp Genetics (formerly Invitae), Labcorp
Classification: Uncertain significance. Last evaluated: 2026-01-12. Review status: criteria provided, single submitter. Criteria: Invitae Variant Classification Sherloc (09022015). Collection method: clinical testing. Allele origin: germline.
Comment: This sequence change falls in intron 5 of the MMP14 gene. It does not directly change the encoded amino acid sequence of the MMP14 protein. It affects a nucleotide within the consensus splice site. This variant is present in population databases (rs778745322, gnomAD 0.03%). This variant has not been reported in the literature in individuals affected with MMP14-related conditions. ClinVar contains an entry for this variant (Variation ID: 2716804). Variants that disrupt the consensus splice site are a relatively common cause of aberrant splicing (PMID: 17576681, 9536098). Algorithms developed to predict the effect of sequence changes on RNA splicing suggest that this variant is not likely to affect RNA splicing. In summary, the available evidence is currently insufficient to determine the role of this variant in disease. Therefore, it has been classified as a Variant of Uncertain Significance.

Literature cited by the submitters: PubMed 17576681; PubMed 9536098.

NM_004995.4(MMP14):c.850+3G>A

Gene: MMP14 (matrix metallopeptidase 14; plus strand). Cytogenetic location: 14q11.2.
Variant type: single nucleotide variant.
Coding change: c.850+3G>A on transcript NM_004995.4 (MANE Select); 3 bases into the intron after coding-DNA position 850, G replaced by A.
Molecular consequence: intron variant.
Genome position (GRCh38, 1-based): chr14:22,843,421, G>A. VCF-style: chr14-22843421-G-A. GRCh37 (hg19) VCF-style: chr14-23312630-G-A.
Identifiers: ClinVar variation 2716804 (VCV002716804.3), dbSNP rs778745322, ClinGen allele CA7105261.